The following is an entry in ClinVar:

NM_201548.5(CERKL):c.1033C>T (p.Arg345Trp)

Gene: CERKL (CERK like autophagy regulator; minus strand). Cytogenetic location: 2q31.3.
Variant type: single nucleotide variant.
Coding change: c.1033C>T on transcript NM_201548.5 (MANE Select); coding-DNA position 1033, C replaced by T.
Protein change: p.Arg345Trp; replaces arginine 345 with tryptophan.
Molecular consequence: missense variant. On other transcripts: non-coding transcript variant (2).
Genome position (GRCh38, 1-based): chr2:181,548,720, G>A on the plus strand (C>T on the coding strand, the complement: CERKL is on the minus strand). VCF-style: chr2-181548720-G-A. GRCh37 (hg19) VCF-style: chr2-182413447-G-A.
Other names: c.1111C>T, p.Arg371Trp (NM_001030311.3); c.694C>T, p.Arg232Trp (NM_001030312.3); c.826C>T, p.Arg276Trp (NM_001030313.3); c.*315C>T (NM_001030314.1, NM_001030315.1); c.979C>T, p.Arg327Trp (NM_001160277.2); c.1111C>T (NM_001030311.2); short protein forms R371W, R276W, R345W, R327W, R232W.
Identifiers: ClinVar variation 2144693 (VCV002144693.4), dbSNP rs201231831, ClinGen allele CA2010587.
Genomic context (GRCh38, chr2:181,548,720, plus strand): 5'-GGTTTAAGAAAAAGACTTACTTAAGTTTTGCCAGTGCCTTAACAACAGCAAAATCTCTCC[G>A]TTGGTTAGGGGACATCCATCGATATTTTTCTGCCAGAGCCAAAGTTCTTCCACCAAAGCC-3'
Protein context (NP_963842.1, residues 335-355): EKYRWMSPNQ[Arg345Trp]RDFAVVKALA

ClinVar aggregate classification (germline): Uncertain significance. Review status: criteria provided, multiple submitters, no conflicts (2 of 4 stars). 3 submissions from 3 submitters: Uncertain significance (3). Last evaluated 2024-12-02.

Conditions:
Inborn genetic diseases. Identifiers: MedGen C0950123, MeSH D030342.

Allele frequency attached by ClinVar (database versions not stated): ExAC 0.00002; gnomAD 0.00003; TOPMed 0.00004.
gnomAD v4.1: 57 of 1,613,888 alleles (0.0035%); highest among the groups gnomAD compares: Non-Finnish European, 0.0036%; 1 homozygote.

Submissions (3):

Labcorp Genetics (formerly Invitae), Labcorp
Classification: Uncertain significance. Last evaluated: 2024-12-02. Review status: criteria provided, single submitter. Criteria: Invitae Variant Classification Sherloc (09022015). Collection method: clinical testing. Allele origin: germline.
Comment: This sequence change replaces arginine, which is basic and polar, with tryptophan, which is neutral and slightly polar, at codon 371 of the CERKL protein (p.Arg371Trp). This variant is present in population databases (rs201231831, gnomAD 0.006%). This variant has not been reported in the literature in individuals affected with CERKL-related conditions. ClinVar contains an entry for this variant (Variation ID: 2144693). Invitae Evidence Modeling of protein sequence and biophysical properties (such as structural, functional, and spatial information, amino acid conservation, physicochemical variation, residue mobility, and thermodynamic stability) indicates that this missense variant is expected to disrupt CERKL protein function with a positive predictive value of 95%. In summary, the available evidence is currently insufficient to determine the role of this variant in disease. Therefore, it has been classified as a Variant of Uncertain Significance.

Blueprint Genetics
Classification: Uncertain significance. Last evaluated: 2023-02-15. Review status: criteria provided, single submitter. Criteria: ACMG Guidelines, 2015. Collection method: clinical testing. Allele origin: germline.

Ambry Genetics
Classification: Uncertain significance for Inborn genetic diseases. Last evaluated: 2022-05-25. Review status: criteria provided, single submitter. Criteria: Ambry Variant Classification Scheme 2023. Collection method: clinical testing. Allele origin: germline.